The following is an entry in ClinVar:

ClinVar aggregate classification (germline): Pathogenic (1 of 4 stars; one submission).

Conditions:
Immunodeficiency 35 (IMD35). Also called: HIES WITH ATYPICAL MYCOBACTERIOSIS, AUTOSOMAL RECESSIVE; HYPER-IgE SYNDROME WITH ATYPICAL MYCOBACTERIOSIS, AUTOSOMAL RECESSIVE; TYK2 DEFICIENCY; Susceptibility to infection due to TYK2 deficiency. Identifiers: Orphanet 331226, MedGen C1969086, MONDO:0012682, OMIM 611521.

Submission:

Labcorp Genetics (formerly Invitae), Labcorp
Classification: Pathogenic for Immunodeficiency 35. Last evaluated: 2024-07-12. Review status: criteria provided, single submitter. Criteria: Invitae Variant Classification Sherloc (09022015). Collection method: clinical testing. Allele origin: germline.
Comment: This sequence change creates a premature translational stop signal (p.Leu974Cysfs*44) in the TYK2 gene. It is expected to result in an absent or disrupted protein product. Loss-of-function variants in TYK2 are known to be pathogenic (PMID: 22402565, 26304966). This variant is not present in population databases (gnomAD no frequency). This variant has not been reported in the literature in individuals affected with TYK2-related conditions. For these reasons, this variant has been classified as Pathogenic.

Literature cited by the submitters: PubMed 22402565; PubMed 26304966.

NM_003331.5(TYK2):c.2920_2941del (p.Leu974fs)

Gene: TYK2 (tyrosine kinase 2; minus strand). Cytogenetic location: 19p13.2.
Variant type: Deletion.
Coding change: c.2920_2941del on transcript NM_003331.5 (MANE Select); coding-DNA positions 2920 to 2941, 22 bases deleted (CTGCAGCTGGTCATGGAGTACG).
Protein change: p.Leu974fs; shifts the reading frame from leucine 974.
Molecular consequence: frameshift variant.
Genome position (GRCh38, 1-based): chr19:10,353,614-10,353,635, CGTACTCCATGACCAGCTGCAG deleted on the plus strand (CTGCAGCTGGTCATGGAGTACG on the coding strand, the reverse complement: TYK2 is on the minus strand); deleting any 22 consecutive bases within chr19:10,353,614-10,353,637 gives the same sequence; the c. name uses the placement nearest the transcript's 3' end. VCF-style (leftmost placement, unchanged base first): chr19-10353613-ACGTACTCCATGACCAGCTGCAG-A. GRCh37 (hg19) VCF-style: chr19-10464289-ACGTACTCCATGACCAGCTGCAG-A.
Other names: c.2920_2941del, p.Leu974fs (NM_001385197.1, NM_001385198.1, NM_001406461.1); c.2734_2755del, p.Leu912fs (NM_001385199.1); c.2917_2938del, p.Leu973fs (NM_001385200.1); c.2722_2743del, p.Leu908fs (NM_001385201.1); c.2836_2857del, p.Leu946fs (NM_001385202.1); c.3001_3022del, p.Leu1001fs (NM_001385203.1); c.3130_3151del, p.Leu1044fs (NM_001385204.1); c.2830_2851del, p.Leu944fs (NM_001385205.1); and 2 more; short protein forms L1044fs, L968fs, L1001fs, L908fs, L912fs, L932fs, L973fs, L974fs.
Identifiers: ClinVar variation 2761990 (VCV002761990.3), dbSNP rs2512461325, ClinGen allele CA2582371045.